The following is an entry in ClinVar:

ClinVar aggregate classification (germline): Likely benign. Review status: criteria provided, single submitter (1 of 4 stars). 2 submissions from 2 submitters: Likely benign (1). 1 of the submissions does not count toward it. Last evaluated 2026-02-01.

Conditions:
CDH2-related disorder. Also called: CDH2-related condition.

Allele frequency attached by ClinVar (database versions not stated): gnomAD exomes below 0.00001 and 0.00002; ExAC 0.00001; gnomAD 0.00005; TOPMed 0.00006; ESP Exome Variant Server 0.00008.
gnomAD v4.1: 13 of 1,608,958 alleles (0.00081%); highest among the groups gnomAD compares: African/African-American, 0.013%; no homozygotes.

Submissions (2):

Labcorp Genetics (formerly Invitae), Labcorp
Classification: Likely benign. Last evaluated: 2026-02-01. Review status: criteria provided, single submitter. Criteria: Invitae Variant Classification Sherloc (09022015). Collection method: clinical testing. Allele origin: germline.

PreventionGenetics, part of Exact Sciences
Classification: Likely benign for CDH2-related condition. Last evaluated: 2019-03-18. Review status: no assertion criteria provided. Collection method: clinical testing. Allele origin: germline. Not counted in ClinVar's aggregate classification.
Comment: This variant is classified as likely benign based on ACMG/AMP sequence variant interpretation guidelines (Richards et al. 2015 PMID: 25741868, with internal and published modifications).

NM_001792.5(CDH2):c.848-7T>C

Gene: CDH2 (cadherin 2; minus strand). Cytogenetic location: 18q12.1.
Variant type: single nucleotide variant.
Coding change: c.848-7T>C on transcript NM_001792.5 (MANE Select); 7 bases into the intron before coding-DNA position 848, T replaced by C.
Molecular consequence: intron variant.
Genome position (GRCh38, 1-based): chr18:28,003,176, A>G on the plus strand (T>C on the coding strand, the complement: CDH2 is on the minus strand). VCF-style: chr18-28003176-A-G. GRCh37 (hg19) VCF-style: chr18-25583140-A-G.
Other names: c.755-7T>C (NM_001308176.2); c.848-7T>C (NM_001792.4).
Identifiers: ClinVar variation 1532718 (VCV001532718.10), dbSNP rs376029450, ClinGen allele CA8923583.